The following is an entry in ClinVar:

NM_000080.4(CHRNE):c.1100C>T (p.Ser367Leu)

Genes: CHRNE (cholinergic receptor nicotinic epsilon subunit; minus strand), LOC130060041 (ATAC-STARR-seq lymphoblastoid silent region 8050; plus strand). Cytogenetic location: 17p13.2.
Variant type: single nucleotide variant.
Coding change: c.1100C>T on transcript NM_000080.4 (MANE Select); coding-DNA position 1100, C replaced by T.
Protein change: p.Ser367Leu; replaces serine 367 with leucine.
Molecular consequence: missense variant.
Genome position (GRCh38, 1-based): chr17:4,899,317, G>A on the plus strand (C>T on the coding strand, the complement: CHRNE is on the minus strand). VCF-style: chr17-4899317-G-A. GRCh37 (hg19) VCF-style: chr17-4802612-G-A.
Other names: short protein forms S367L.
Identifiers: ClinVar variation 845796 (VCV000845796.12), dbSNP rs753495337, ClinGen allele CA8314019.
Genomic context (GRCh38, chr17:4,899,317, plus strand): 5'-TTCAGTATCAGCTCCTCCGCGCGGAGCAATAAGCCCACCGACGACGCCCGCCTTGGGGGC[G>A]AGGCGGCCCGGGGGGCCTCGGGCGGCGGCGGGGAGCCCAGGAGGCGCGGCAGCAGCTCCA-3'
Protein context (NP_000071.1, residues 357-377): PPPPEAPRAA[Ser367Leu]PPRRASSVGL

ClinVar aggregate classification (germline): Uncertain significance. Review status: criteria provided, multiple submitters, no conflicts (2 of 4 stars). 3 submissions from 3 submitters: Uncertain significance (2). 1 of the submissions does not count toward it. Last evaluated 2025-09-10.

Conditions:
Congenital myasthenic syndrome (CMS). Also called: Congenital Myasthenic Syndromes. Identifiers: Orphanet 590, MedGen C0751882, MeSH D020294, MONDO:0018940.
Congenital myasthenic syndrome 4A. Also called: Myasthenic syndrome, congenital, 4a, slow-channel; MYASTHENIC SYNDROME, CONGENITAL, 4A, SLOW-CHANNEL, AUTOSOMAL RECESSIVE; CONGENITAL MYASTHENIC SYNDROME TYPE Ia1. Identifiers: Orphanet 590, MedGen C4225413, MONDO:0011600, OMIM 605809.
Inborn genetic diseases. Identifiers: MedGen C0950123, MeSH D030342.

Allele frequency attached by ClinVar (database versions not stated): gnomAD 0.00002 and 0.00003; TOPMed 0.00002.

Submissions (3):

Labcorp Genetics (formerly Invitae), Labcorp
Classification: Uncertain significance for Congenital myasthenic syndrome 4A. Last evaluated: 2025-09-10. Review status: criteria provided, single submitter. Criteria: Invitae Variant Classification Sherloc (09022015). Collection method: clinical testing. Allele origin: germline.
Comment: This sequence change replaces serine, which is neutral and polar, with leucine, which is neutral and non-polar, at codon 367 of the CHRNE protein (p.Ser367Leu). The frequency data for this variant in the population databases is considered unreliable, as metrics indicate poor data quality at this position in the gnomAD database. This variant has not been reported in the literature in individuals affected with CHRNE-related conditions. ClinVar contains an entry for this variant (Variation ID: 845796). Invitae Evidence Modeling of protein sequence and biophysical properties (such as structural, functional, and spatial information, amino acid conservation, physicochemical variation, residue mobility, and thermodynamic stability) indicates that this missense variant is not expected to disrupt CHRNE protein function with a negative predictive value of 95%. In summary, the available evidence is currently insufficient to determine the role of this variant in disease. Therefore, it has been classified as a Variant of Uncertain Significance.

Ambry Genetics
Classification: Uncertain significance for Inborn genetic diseases. Last evaluated: 2025-04-14. Review status: criteria provided, single submitter. Criteria: Ambry Variant Classification Scheme 2023. Collection method: clinical testing. Allele origin: germline.

Natera, Inc.
Classification: Uncertain significance for Congenital myasthenic syndrome. Last evaluated: 2021-10-08. Review status: no assertion criteria provided. Collection method: clinical testing. Allele origin: germline. Not counted in ClinVar's aggregate classification.